The following is an entry in ClinVar:

ClinVar aggregate classification (germline): Pathogenic/Likely pathogenic. Review status: criteria provided, multiple submitters, no conflicts (2 of 4 stars). 20 submissions from 20 submitters: Pathogenic (10); Likely pathogenic (7). 3 of the submissions do not count toward it. Last evaluated 2025-09-29.

Conditions:
FLG-related disorder. Also called: FLG-related disorders; FLG-related condition.
Inborn genetic diseases. Identifiers: MedGen C0950123, MeSH D030342.
Ichthyosis vulgaris. Also called: ICHTHYOSIS SIMPLEX; Dominant ichthyosis vulgaris. Identifiers: MedGen C0079584, MONDO:0024304, OMIM 146700.
Dermatitis, atopic, 2. Identifiers: MedGen C1853965, MONDO:0011596, OMIM 605803.

Allele frequency attached by ClinVar (database versions not stated): 1000 Genomes Project 30x 0.00031; 1000 Genomes Project 0.00040; gnomAD 0.00144; TOPMed 0.00172; ESP Exome Variant Server 0.00238.
gnomAD v4.1: 4,508 of 1,613,830 alleles (0.28%); highest among the groups gnomAD compares: Non-Finnish European, 0.35%; 16 homozygotes.

Submissions 1 to 13 of 20:

Ambry Genetics
Classification: Pathogenic for Inborn genetic diseases. Last evaluated: 2025-09-29. Review status: criteria provided, single submitter. Criteria: Ambry Variant Classification Scheme 2023. Collection method: clinical testing. Allele origin: germline.
Comment: The c.9740C>A (p.S3247*) alteration, located in exon 3 (coding exon 2) of the FLG gene, consists of a C to A substitution at nucleotide position 9740. This changes the amino acid from a serine (S) to a stop codon at amino acid position 3247. This variant is not expected to trigger nonsense-mediated mRNA decay and impacts the last 20% of the protein. Premature stop codons are typically deleterious in nature, the impacted region is critical for protein function (Ambry internal data), and a significant portion of the protein is affected (Ambry internal data). Based on data from gnomAD, the A allele has an overall frequency of 0.148% (417/282786) total alleles studied. The highest observed frequency was 0.282% (364/129126) of European (non-Finnish) alleles. This variant has been identified in conjunction with other FLG variant(s) in individual(s) with features consistent with FLG-related ichthyosis vulgaris (Sitek, 2018). Based on the available evidence, this alteration is classified as pathogenic.

Daryl Scott Lab, Baylor College of Medicine
Classification: Pathogenic for Ichthyosis vulgaris. Last evaluated: 2025-08-25. Review status: criteria provided, single submitter. Criteria: ACMG Guidelines, 2015. Collection method: clinical testing. Allele origin: unknown. Affected: yes. Observed: 1 heterozygote.
Comment: PVS1, PS4, PM3, BS2

Variantyx, Inc.
Classification: Pathogenic for Ichthyosis vulgaris. Last evaluated: 2025-07-15. Review status: criteria provided, single submitter. Criteria: Variantyx Assertion Criteria 2022. Collection method: clinical testing. Allele origin: germline. Inheritance: Semidominant inheritance.
Comment: This is a nonsense variant in the¬†FLG¬†gene (OMIM: 135940). Pathogenic variants in this gene have been associated with autosomal semidominant ichthyosis vulgaris. This variant introduces a premature termination codon in exon 3 out of 3 and is expected to result in loss of function, which is a known disease mechanism for FLG in this disorder (PMID: 21377035) (PVS1). While individuals with biallelic loss-of-function variants will most likely develop eczema, heterozygous carriers of a null allele have approximately an eight-fold increased risk of developing it (PMID: 22158554, 4247927). The frequency of this variant in affected individuals is significantly increased compared to controls (PMID: 19874431) (PS4) and the variantt has a 0.3535% maximum allele frequency in non-founder control populations. Based on the current evidence, this variant is classified as pathogenic with reduced penetrance for autosomal semidominant ichthyosis vulgaris.

Blueprint Genetics
Classification: Pathogenic for FLG-related disorders. Last evaluated: 2024-11-14. Review status: criteria provided, single submitter. Criteria: ACMG Guidelines, 2015. Collection method: clinical testing. Allele origin: germline. Affected: yes. Observed: 5 variant alleles.

Centre for Clinical Genetics and Genomic Diagnostics, Zealand University Hospital
Classification: Pathogenic. Last evaluated: 2024-11-07. Review status: criteria provided, single submitter. Criteria: ACMG Guidelines, 2015. Collection method: clinical testing. Allele origin: germline.

Revvity Omics, Revvity
Classification: Likely pathogenic for Ichthyosis vulgaris. Last evaluated: 2024-10-18. Review status: criteria provided, single submitter. Criteria: ACMG Guidelines, 2015. Collection method: clinical testing. Allele origin: germline.

Women's Health and Genetics/Laboratory Corporation of America, LabCorp
Classification: Pathogenic for Ichthyosis vulgaris. Last evaluated: 2024-06-24. Review status: criteria provided, single submitter. Criteria: LabCorp Variant Classification Summary - May 2015. Collection method: clinical testing. Allele origin: germline.
Comment: Variant summary: FLG c.9740C>A (p.Ser3247X) results in a premature termination codon, predicted to cause a truncation of the encoded protein or absence of the protein due to nonsense mediated decay, which are commonly known mechanisms for disease. The variant allele was found at a frequency of 0.0015 in 251454 control chromosomes (gnomAD). This frequency is not significantly higher than estimated for a pathogenic variant in FLG causing Ichthyosis Vulgaris, allowing no conclusion about variant significance. c.9740C>A has been reported in the literature in multiple heterozygous individuals affected with Atopic Dermatitis (e.g. Sandilands_2007), as well as at least one Ichthyosis Vulgaris case who was compound heterozygous with a pathogenic variant (Sitek_2018). These data indicate that the variant is very likely to be associated with disease. The following publications have been ascertained in the context of this evaluation (PMID: 17502856, 29444371). ClinVar contains an entry for this variant (Variation ID: 50930). Based on the evidence outlined above, the variant was classified as pathogenic.

CeGaT Center for Human Genetics Tuebingen
Classification: Likely pathogenic. Last evaluated: 2024-06-01. Review status: criteria provided, single submitter. Criteria: CeGaT Center For Human Genetics Tuebingen Variant Classification Criteria Version 2. Collection method: clinical testing. Allele origin: germline. Affected: yes. Observed: 2 variant alleles.
Comment: FLG: PM3:Strong, PVS1:Strong, PM2:Supporting

Pittsburgh Clinical Genomics Laboratory, University of Pittsburgh Medical Center
Classification: Pathogenic for Ichthyosis vulgaris. Last evaluated: 2023-10-24. Review status: criteria provided, single submitter. Criteria: ACMG Guidelines, 2015. Collection method: clinical testing. Allele origin: germline. Inheritance: Autosomal unknown. Affected: yes.
Comment: This sequence variant is a single base substitution (C>A) at coding nucleotide 9740 that replaces a serine codon with a premature termition sigl in exon 3 of 3 of the FLG gene. This variant is expected to truncate the FLG encoded profilaggrin protein, thereby disrupting the filaggrin 9 repeat and elimiting the filaggrin 10 repeat and the C termil domain (PMID: 17502856). Loss of the C termil domain prevents processing profilaggrin into filaggrin monomers, generating a loss of function variant (PMID: 17417636, 22071473). This previously reported (ClinVar 50930), well-documented variant is associated with atopic dermatitis, ichthyosis vulgaris, and asthma in both the homozygous and compound heterozygous states (PMID: 17417636, 20109745, 31365035, 30665703, 18396323, 19183181). Case-control studies have documented the significant association with this variant with atopic dermatitis (PMID: 17417636, 20109745). In addition, this variant co-segregates with either atopic dermatitis (PMD: 17417636), or ichthyosis vulgaris (PMID: 19785597) in two small pedigrees. This variant is present in 417 of 282,786 alleles (0.15%) in the gnomAD control population dataset. Studies examining the functiol consequence of this variant have not been published, to our knowledge. However, a histologic examition of a skin sample of a heterozygous individual exhibited a reduction in the stratum granulosum layer and less filaggrin than observed in a sample taken from a wildtype individual (PMID: 19183181). Given this information, we consider this a pathogenic variant. ACMG Criteria: PS4, PVS1

Genome-Nilou Lab
Classification: Likely pathogenic for Ichthyosis vulgaris. Last evaluated: 2023-04-11. Review status: criteria provided, single submitter. Criteria: ACMG Guidelines, 2015. Collection method: clinical testing. Allele origin: germline. Affected: no.

Greenwood Genetic Center Diagnostic Laboratories, Greenwood Genetic Center
Classification: Pathogenic for Ichthyosis vulgaris. Last evaluated: 2022-11-30. Review status: criteria provided, single submitter. Criteria: ACMG Guidelines, 2015. Collection method: clinical testing. Allele origin: germline. Affected: yes.
Comment: PVS1, PS4, PM3_Strong

Department of Pathology and Laboratory Medicine, Sinai Health System
Classification: Pathogenic for Ichthyosis vulgaris. Last evaluated: 2022-10-10. Review status: criteria provided, single submitter. Criteria: ACMG Guidelines, 2015. Collection method: research. Allele origin: germline.

GeneDx
Classification: Pathogenic. Last evaluated: 2022-04-18. Review status: criteria provided, single submitter. Criteria: GeneDx Variant Classification Process June 2021. Collection method: clinical testing. Allele origin: germline. Affected: yes.
Comment: Predisposes to elevated serum IgE levels and allergic sensitization, atopic dermatitis, and asthma (Sandilands et al., 2007; Greisenegger et al., 2010; Ziyab et al., 2012); Nonsense variant in the C-terminus predicted to result in protein truncation, as the last 815 amino acids are lost, and other loss-of-function variants have been reported downstream in the Human Gene Mutation Database (HGMD); This variant is associated with the following publications: (PMID: 29068602, 29444371, 25533962, 28317091, 30665703, 21377035, 22403702, 26451970, 28479194, 28219068, 27840886, 28571749, 28502108, 28592289, 29428354, 19874431, 31365035, 31589614, 17417636)

NM_002016.2(FLG):c.9740C>A (p.Ser3247Ter)

Genes: CCDST (cervical cancer associated DHX9 suppressive transcript; plus strand), FLG (filaggrin; minus strand). Cytogenetic location: 1q21.3.
Variant type: single nucleotide variant.
Coding change: c.9740C>A on transcript NM_002016.2 (MANE Select); coding-DNA position 9740, C replaced by A.
Protein change: p.Ser3247Ter; replaces serine 3247 with a stop codon.
Molecular consequence: nonsense.
Genome position (GRCh38, 1-based): chr1:152,305,146, G>T on the plus strand (C>A on the coding strand, the complement: FLG is on the minus strand). VCF-style: chr1-152305146-G-T. GRCh37 (hg19) VCF-style: chr1-152277622-G-T.
Other names: c.(9740C>A) (NM_002016.2); short protein forms S3247*.
Identifiers: ClinVar variation 50930 (VCV000050930.49), dbSNP rs150597413, ClinGen allele CA1103704.